The following is an entry in ClinVar:

ClinVar aggregate classification (germline): Conflicting classifications of pathogenicity. Review status: criteria provided, conflicting classifications (1 of 4 stars). 6 submissions from 6 submitters: Likely pathogenic (2); Uncertain significance (3); Likely benign (1). Last evaluated 2026-10-23.

Conditions:
TRPV4-related disorder. Also called: TRPV4-related disorders; TRPV4-related condition.
Inborn genetic diseases. Identifiers: MedGen C0950123, MeSH D030342.
Charcot-Marie-Tooth disease axonal type 2C (HMSN2C). Also called: Charcot-Marie-Tooth Disease Type 2, TRPV4-Related (CMT2C); CHARCOT-MARIE-TOOTH DISEASE, AXONAL, AUTOSOMAL DOMINANT, TYPE 2C; Charcot-Marie-Tooth Neuropathy Type 2C. Identifiers: Orphanet 99937, MedGen C1853710, MONDO:0011633, OMIM 606071.

Allele frequency attached by ClinVar (database versions not stated): gnomAD 0.00016 and 0.00015; TOPMed 0.00042; gnomAD exomes 0.00003; ExAC 0.00003; 1000 Genomes Project 0.00040; 1000 Genomes Project 30x 0.00047.
gnomAD v4.1: 46 of 1,614,160 alleles (0.0028%); highest among the groups gnomAD compares: Admixed American, 0.052%; no homozygotes.

Submissions (6):

GeneDx
Classification: Likely pathogenic. Last evaluated: 2026-10-23. Review status: criteria provided, single submitter. Criteria: GeneDx Variant Classification Process June 2021. Collection method: clinical testing. Allele origin: germline.
Comment: Published functional studies suggest a damaging effect through a moderate gain-of-function effect on the ion channel (PMID: 31041394, 38984987, 39021275); In silico analysis suggests that this missense variant does not alter protein structure/function; This variant is associated with the following publications: (PMID: 38984987, 36210150, 39457418, 33075594, 32979394, 37706131, 39021275, 31041394, Vinogradova2026[Review])

PreventionGenetics, part of Exact Sciences
Classification: Uncertain significance for TRPV4-related condition. Last evaluated: 2026-04-08. Review status: criteria provided, single submitter. Criteria: ACMG Guidelines, 2015. Collection method: clinical testing. Allele origin: germline.
Comment: The TRPV4 c.281C>T variant is predicted to result in the amino acid substitution p.Ser94Leu. This variant has been reported in the homozygous state in two individuals with distal spinal muscular atrophy and arthrogryposis (Velilla et al. 2019. PubMed ID: 31041394; Lugo et al. 2023. PubMed ID: 37706131). This variant is reported in 0.012% of alleles in individuals of Latino descent in gnomAD. Although we suspect that this variant may be pathogenic for a possible autosomal recessive disorder, at this time, the clinical significance of this variant is uncertain due to the absence of conclusive functional and genetic evidence.

Labcorp Genetics (formerly Invitae), Labcorp
Classification: Likely pathogenic for Charcot-Marie-Tooth disease axonal type 2C. Last evaluated: 2026-01-02. Review status: criteria provided, single submitter. Criteria: Invitae Variant Classification Sherloc (09022015). Collection method: clinical testing. Allele origin: germline.
Comment: This sequence change replaces serine, which is neutral and polar, with leucine, which is neutral and non-polar, at codon 94 of the TRPV4 protein (p.Ser94Leu). This variant is present in population databases (rs201927283, gnomAD 0.006%). This missense change has been observed in individuals with clinical features of TRPV4-related conditions (PMID: 31041394, 37706131; internal data). ClinVar contains an entry for this variant (Variation ID: 216734). Invitae Evidence Modeling of protein sequence and biophysical properties (such as structural, functional, and spatial information, amino acid conservation, physicochemical variation, residue mobility, and thermodynamic stability) indicates that this missense variant is not expected to disrupt TRPV4 protein function with a negative predictive value of 95%. Experimental studies have shown that this missense change affects TRPV4 function (PMID: 31041394). In summary, the currently available evidence indicates that the variant is pathogenic, but additional data are needed to prove that conclusively. Therefore, this variant has been classified as Likely Pathogenic.

Blueprint Genetics
Classification: Likely benign. Last evaluated: 2022-10-31. Review status: criteria provided, single submitter. Criteria: ACMG Guidelines, 2015. Collection method: clinical testing. Allele origin: germline.

Ambry Genetics
Classification: Uncertain significance for Inborn genetic diseases. Last evaluated: 2022-02-14. Review status: criteria provided, single submitter. Criteria: Ambry Variant Classification Scheme 2023. Collection method: clinical testing. Allele origin: germline.
Comment: The p.S94L variant (also known as c.281C>T), located in coding exon 1 of the TRPV4 gene, results from a C to T substitution at nucleotide position 281. The serine at codon 94 is replaced by leucine, an amino acid with dissimilar properties. Both reportedly unaffected parents are heterozygous carriers of the variant (Velilla J et al. Neurol Genet, 2019 Apr;5:e312). This amino acid position is well conserved in available vertebrate species. In addition, the in silico prediction for this alteration is inconclusive. Since supporting evidence is limited at this time, the clinical significance of this alteration remains unclear.

Revvity Omics, Revvity
Classification: Uncertain significance. Last evaluated: 2021-03-27. Review status: criteria provided, single submitter. Criteria: ACMG Guidelines, 2015. Collection method: clinical testing. Allele origin: germline.

Literature cited by the submitters: PubMed 31041394 (cited by Labcorp Genetics (formerly Invitae), Labcorp and Ambry Genetics); PubMed 37706131 (cited by Labcorp Genetics (formerly Invitae), Labcorp).

NM_021625.5(TRPV4):c.281C>T (p.Ser94Leu)

Gene: TRPV4 (transient receptor potential cation channel subfamily V member 4; minus strand). Cytogenetic location: 12q24.11.
Variant type: single nucleotide variant.
Coding change: c.281C>T on transcript NM_021625.5 (MANE Select); coding-DNA position 281, C replaced by T.
Protein change: p.Ser94Leu; replaces serine 94 with leucine.
Molecular consequence: missense variant.
Genome position (GRCh38, 1-based): chr12:109,814,516, G>A on the plus strand (C>T on the coding strand, the complement: TRPV4 is on the minus strand). VCF-style: chr12-109814516-G-A. GRCh37 (hg19) VCF-style: chr12-110252321-G-A.
Other names: c.281C>T, p.Ser94Leu (NM_001177428.2, NM_001177433.2, NM_147204.3); c.179C>T, p.Ser60Leu (NM_001177431.2); short protein forms S94L, S60L.
Identifiers: ClinVar variation 216734 (VCV000216734.20), dbSNP rs201927283, ClinGen allele CA338597.